The following is an entry in ClinVar:

NM_018060.4(IARS2):c.2068C>T (p.Pro690Ser)

Gene: IARS2 (isoleucyl-tRNA synthetase 2, mitochondrial; plus strand). Cytogenetic location: 1q41.
Variant type: single nucleotide variant.
Coding change: c.2068C>T on transcript NM_018060.4 (MANE Select); coding-DNA position 2068, C replaced by T.
Protein change: p.Pro690Ser; replaces proline 690 with serine.
Molecular consequence: missense variant.
Genome position (GRCh38, 1-based): chr1:220,137,936, C>T. VCF-style: chr1-220137936-C-T. GRCh37 (hg19) VCF-style: chr1-220311278-C-T.
Other names: short protein forms P690S.
Identifiers: ClinVar variation 4074575 (VCV004074575.1).

ClinVar aggregate classification (germline): Uncertain significance (1 of 4 stars; one submission).

gnomAD v4.1: 1 of 1,614,108 alleles (0.000062%); no homozygotes.

Submission:

GeneDx
Classification: Uncertain significance. Last evaluated: 2025-02-11. Review status: criteria provided, single submitter. Criteria: GeneDx Variant Classification Process June 2021. Collection method: clinical testing. Allele origin: germline. Affected: yes.
Comment: Not observed at significant frequency in large population cohorts (gnomAD); In silico analysis supports that this missense variant has a deleterious effect on protein structure/function; Has not been previously published as pathogenic or benign to our knowledge